The following is an entry in ClinVar:

ClinVar aggregate classification (germline): Uncertain significance. Review status: criteria provided, multiple submitters, no conflicts (2 of 4 stars). 4 submissions from 4 submitters: Uncertain significance (4). Last evaluated 2026-02-05.

Conditions:
Gorlin syndrome. Also called: Basal cell nevus syndrome; Nevoid Basal Cell Carcinoma Syndrome. Identifiers: Orphanet 377, MedGen C0004779, MONDO:0007187.
PTCH2-related disorder. Also called: PTCH2-related condition; PTCH2-related disease.

Allele frequency attached by ClinVar (database versions not stated): gnomAD exomes 0.00002 and 0.00006; ExAC 0.00006; gnomAD 0.00009 and 0.00011; TOPMed 0.00010; 1000 Genomes Project 0.00020; 1000 Genomes Project 30x 0.00031.
gnomAD v4.1: 52 of 1,614,190 alleles (0.0032%); highest among the groups gnomAD compares: African/African-American, 0.053%; no homozygotes.

Submissions (4):

Women's Health and Genetics/Laboratory Corporation of America, LabCorp
Classification: Uncertain significance. Last evaluated: 2026-02-05. Review status: criteria provided, single submitter. Criteria: LabCorp Variant Classification Summary - May 2015. Collection method: clinical testing. Allele origin: germline.
Comment: Variant summary: PTCH2 c.347T>C (p.Ile116Thr) results in a non-conservative amino acid change in the encoded protein sequence. Algorithms developed to predict the effect of missense changes on protein structure and function all suggest that this variant is likely to be disruptive. The variant allele was found at a frequency of 5.6e-05 in 251478 control chromosomes, predominantly at a frequency of 0.00068 within the African or African-American subpopulation in the gnomAD database. This frequency is not significantly higher than estimated for disease-causing variants in PTCH2, allowing no conclusion about variant significance. To our knowledge, no occurrence of c.347T>C in individuals affected with PTCH2-related conditions and no experimental evidence demonstrating its impact on protein function have been reported. ClinVar contains an entry for this variant (Variation ID: 645477). Based on the evidence outlined above, the variant was classified as uncertain significance.

PreventionGenetics, part of Exact Sciences
Classification: Uncertain significance for PTCH2-related condition. Last evaluated: 2026-01-22. Review status: criteria provided, single submitter. Criteria: ACMG Guidelines, 2015. Collection method: clinical testing. Allele origin: germline.
Comment: The PTCH2 c.347T>C variant is predicted to result in the amino acid substitution p.Ile116Thr. To our knowledge, this variant has not been reported in the literature. This variant is reported in 0.060% of alleles in individuals of African descent in gnomAD, which may be too common to be causative. This variant is interpreted as uncertain in ClinVar (Variation ID: 645477). Although we suspect that this variant may be benign, at this time, the clinical significance of this variant is uncertain due to the absence of conclusive functional and genetic evidence.

Ambry Genetics
Classification: Uncertain significance. Last evaluated: 2024-01-31. Review status: criteria provided, single submitter. Criteria: Ambry Variant Classification Scheme 2023. Collection method: clinical testing. Allele origin: germline.

Labcorp Genetics (formerly Invitae), Labcorp
Classification: Uncertain significance for Gorlin syndrome. Last evaluated: 2022-01-31. Review status: criteria provided, single submitter. Criteria: Invitae Variant Classification Sherloc (09022015). Collection method: clinical testing. Allele origin: germline.
Comment: In summary, the available evidence is currently insufficient to determine the role of this variant in disease. Therefore, it has been classified as a Variant of Uncertain Significance. Algorithms developed to predict the effect of missense changes on protein structure and function are either unavailable or do not agree on the potential impact of this missense change (SIFT: "Deleterious"; PolyPhen-2: "Benign"; Align-GVGD: "Class C0"). ClinVar contains an entry for this variant (Variation ID: 645477). This variant has not been reported in the literature in individuals affected with PTCH2-related conditions. This variant is present in population databases (rs200800966, gnomAD 0.06%), and has an allele count higher than expected for a pathogenic variant. This sequence change replaces isoleucine, which is neutral and non-polar, with threonine, which is neutral and polar, at codon 116 of the PTCH2 protein (p.Ile116Thr).

NM_003738.5(PTCH2):c.347T>C (p.Ile116Thr)

Gene: PTCH2 (patched 2; minus strand). Cytogenetic location: 1p34.1.
Variant type: single nucleotide variant.
Coding change: c.347T>C on transcript NM_003738.5 (MANE Select); coding-DNA position 347, T replaced by C.
Protein change: p.Ile116Thr; replaces isoleucine 116 with threonine.
Molecular consequence: missense variant.
Genome position (GRCh38, 1-based): chr1:44,832,260, A>G on the plus strand (T>C on the coding strand, the complement: PTCH2 is on the minus strand). VCF-style: chr1-44832260-A-G. GRCh37 (hg19) VCF-style: chr1-45297932-A-G.
Other names: c.347T>C, p.Ile116Thr (NM_001166292.2); short protein forms I116T.
Identifiers: ClinVar variation 645477 (VCV000645477.13), dbSNP rs200800966, ClinGen allele CA823663.